The following is an entry in ClinVar:

ClinVar aggregate classification (germline): Uncertain significance (1 of 4 stars; one submission).

Submission:

Labcorp Genetics (formerly Invitae), Labcorp
Classification: Uncertain significance. Last evaluated: 2024-03-29. Review status: criteria provided, single submitter. Criteria: Invitae Variant Classification Sherloc (09022015). Collection method: clinical testing. Allele origin: germline.
Comment: This sequence change replaces methionine, which is neutral and non-polar, with isoleucine, which is neutral and non-polar, at codon 225 of the MAPKAPK3 protein (p.Met225Ile). This variant is not present in population databases (gnomAD no frequency). This variant has not been reported in the literature in individuals affected with MAPKAPK3-related conditions. An algorithm developed to predict the effect of missense changes on protein structure and function (PolyPhen-2) suggests that this variant is likely to be tolerated. In summary, the available evidence is currently insufficient to determine the role of this variant in disease. Therefore, it has been classified as a Variant of Uncertain Significance.

NM_001243925.2(MAPKAPK3):c.675G>A (p.Met225Ile)

Gene: MAPKAPK3 (MAPK activated protein kinase 3; plus strand). Cytogenetic location: 3p21.2.
Variant type: single nucleotide variant.
Coding change: c.675G>A on transcript NM_001243925.2 (MANE Select); coding-DNA position 675, G replaced by A.
Protein change: p.Met225Ile; replaces methionine 225 with isoleucine.
Molecular consequence: missense variant.
Genome position (GRCh38, 1-based): chr3:50,645,756, G>A. VCF-style: chr3-50645756-G-A. GRCh37 (hg19) VCF-style: chr3-50683187-G-A.
Other names: c.675G>A, p.Met225Ile (NM_001243926.2, NM_004635.5); short protein forms M225I.
Identifiers: ClinVar variation 3688530 (VCV003688530.2).